The following is an entry in ClinVar:

NM_000092.5(COL4A4):c.985G>C (p.Gly329Arg)

Gene: COL4A4 (collagen type IV alpha 4 chain; minus strand). Cytogenetic location: 2q36.3.
Variant type: single nucleotide variant.
Coding change: c.985G>C on transcript NM_000092.5 (MANE Select); coding-DNA position 985, G replaced by C.
Protein change: p.Gly329Arg; replaces glycine 329 with arginine.
Molecular consequence: missense variant.
Genome position (GRCh38, 1-based): chr2:227,101,548, C>G on the plus strand (G>C on the coding strand, the complement: COL4A4 is on the minus strand). VCF-style: chr2-227101548-C-G. GRCh37 (hg19) VCF-style: chr2-227966264-C-G.
Other names: short protein forms G329R.
Identifiers: ClinVar variation 4703768 (VCV004703768.1).

ClinVar aggregate classification (germline): Uncertain significance (1 of 4 stars; one submission).

Submission:

Labcorp Genetics (formerly Invitae), Labcorp
Classification: Uncertain significance. Last evaluated: 2025-03-24. Review status: criteria provided, single submitter. Criteria: Invitae Variant Classification Sherloc (09022015). Collection method: clinical testing. Allele origin: germline.
Comment: This sequence change replaces glycine, which is neutral and non-polar, with arginine, which is basic and polar, at codon 329 of the COL4A4 protein (p.Gly329Arg). This variant is not present in population databases (gnomAD no frequency). This variant has not been reported in the literature in individuals affected with COL4A4-related conditions. Invitae Evidence Modeling of protein sequence and biophysical properties (such as structural, functional, and spatial information, amino acid conservation, physicochemical variation, residue mobility, and thermodynamic stability) indicates that this missense variant is expected to disrupt COL4A4 protein function with a positive predictive value of 95%. In summary, the available evidence is currently insufficient to determine the role of this variant in disease. Therefore, it has been classified as a Variant of Uncertain Significance.